The following is an entry in ClinVar:

NM_001261826.3(AP3D1):c.2215A>G (p.Lys739Glu)

Gene: AP3D1 (adaptor related protein complex 3 subunit delta 1; minus strand). Cytogenetic location: 19p13.3.
Variant type: single nucleotide variant.
Coding change: c.2215A>G on transcript NM_001261826.3 (MANE Select); coding-DNA position 2215, A replaced by G.
Protein change: p.Lys739Glu; replaces lysine 739 with glutamic acid.
Molecular consequence: missense variant.
Genome position (GRCh38, 1-based): chr19:2,115,353, T>C on the plus strand (A>G on the coding strand, the complement: AP3D1 is on the minus strand). VCF-style: chr19-2115353-T-C. GRCh37 (hg19) VCF-style: chr19-2115352-T-C.
Other names: c.2215A>G, p.Lys739Glu (NM_001374799.1, NM_003938.8); short protein forms K739E.
Identifiers: ClinVar variation 2127226 (VCV002127226.4), dbSNP rs2018414628, ClinGen allele CA403213429.

ClinVar aggregate classification (germline): Uncertain significance (1 of 4 stars; one submission).

Allele frequency attached by ClinVar (database versions not stated): gnomAD exomes below 0.00001; gnomAD 0.00001.
gnomAD v4.1: 2 of 1,608,146 alleles (0.00012%); highest among the groups gnomAD compares: Admixed American, 0.0017%; no homozygotes.

Submission:

Labcorp Genetics (formerly Invitae), Labcorp
Classification: Uncertain significance. Last evaluated: 2025-02-17. Review status: criteria provided, single submitter. Criteria: Invitae Variant Classification Sherloc (09022015). Collection method: clinical testing. Allele origin: germline.
Comment: This sequence change replaces lysine, which is basic and polar, with glutamic acid, which is acidic and polar, at codon 739 of the AP3D1 protein (p.Lys739Glu). This variant is not present in population databases (gnomAD no frequency). This variant has not been reported in the literature in individuals affected with AP3D1-related conditions. ClinVar contains an entry for this variant (Variation ID: 2127226). An algorithm developed to predict the effect of missense changes on protein structure and function (PolyPhen-2) suggests that this variant is likely to be disruptive. In summary, the available evidence is currently insufficient to determine the role of this variant in disease. Therefore, it has been classified as a Variant of Uncertain Significance.